The following is an entry in ClinVar:

NM_004544.4(NDUFA10):c.*647C>T

Gene: NDUFA10 (NADH:ubiquinone oxidoreductase subunit A10; minus strand). Cytogenetic location: 2q37.3.
Variant type: single nucleotide variant.
Coding change: c.*647C>T on transcript NM_004544.4 (MANE Select); 647 bases downstream of the stop codon, C replaced by T.
Molecular consequence: 3 prime UTR variant. On other transcripts: non-coding transcript variant (3).
Genome position (GRCh38, 1-based): chr2:239,960,471, G>A on the plus strand (C>T on the coding strand, the complement: NDUFA10 is on the minus strand). VCF-style: chr2-239960471-G-A. GRCh37 (hg19) VCF-style: chr2-240899888-G-A.
Other names: c.*652C>T (NM_001322020.2).
Identifiers: ClinVar variation 335188 (VCV000335188.6), dbSNP rs116254382, ClinGen allele CA10613273.

ClinVar aggregate classification (germline): Conflicting classifications of pathogenicity. Review status: criteria provided, conflicting classifications (1 of 4 stars). 3 submissions from 2 submitters: Uncertain significance (1); Likely benign (2). Last evaluated 2021-05-26.

Conditions:
Leigh syndrome (NULS). Also called: Leigh's syndrome; Leigh Syndrome (mtDNA deletion); Leigh Disease; Leigh's necrotizing encephalopathy; Leigh's disease; Subacute necrotizing encephalopathy. Identifiers: Orphanet 506, MedGen C2931891, MONDO:0009723, OMIM 256000.
Mitochondrial complex I deficiency, nuclear type 1. Also called: NADH-COENZYME Q REDUCTASE DEFICIENCY; MITOCHONDRIAL NADH DEHYDROGENASE COMPONENT OF COMPLEX I, DEFICIENCY OF. Identifiers: MedGen C6022305, MONDO:0100224, OMIM 252010.

Allele frequency attached by ClinVar (database versions not stated): gnomAD exomes 0.00070; 1000 Genomes Project 0.00679; gnomAD 0.00733 and 0.00794; 1000 Genomes Project 30x 0.00796; TOPMed 0.00870.
gnomAD v4.1: 1,694 of 989,554 alleles (0.17%); highest among the groups gnomAD compares: African/African-American, 2.7%; 28 homozygotes.

Submissions (3):

GeneDx
Classification: Likely benign. Last evaluated: 2021-05-26. Review status: criteria provided, single submitter. Criteria: GeneDx Variant Classification Process June 2021. Collection method: clinical testing. Allele origin: germline. Affected: yes.

Illumina Laboratory Services, Illumina
Classification: Uncertain significance for Mitochondrial complex I deficiency, nuclear type 1. Last evaluated: 2018-01-12. Review status: criteria provided, single submitter. Criteria: ICSL Variant Classification Criteria 13 December 2019. Collection method: clinical testing. Allele origin: germline.

Illumina Laboratory Services, Illumina
Classification: Likely benign for Leigh syndrome. Last evaluated: 2018-01-12. Review status: criteria provided, single submitter. Criteria: ICSL Variant Classification Criteria 13 December 2019. Collection method: clinical testing. Allele origin: germline.
Comment: This variant was observed in the ICSL laboratory as part of a predisposition screen in an ostensibly healthy population. It had not been previously curated by ICSL or reported in the Human Gene Mutation Database (HGMD: prior to June 1st, 2018), and was therefore a candidate for classification through an automated scoring system. Utilizing variant allele frequency, disease prevalence and penetrance estimates, and inheritance mode, an automated score was calculated to assess if this variant is too frequent to cause the disease. Based on the score and internal cut-off values, a variant classified as likely benign is not then subjected to further curation. The score for this variant resulted in a classification of likely benign for this disease.